The following is an entry in ClinVar:

ClinVar aggregate classification (germline): Uncertain significance. Review status: criteria provided, multiple submitters, no conflicts (2 of 4 stars). 2 submissions from 2 submitters: Uncertain significance (2). Last evaluated 2025-08-04.

Conditions:
Inborn genetic diseases. Identifiers: MedGen C0950123, MeSH D030342.
Charcot-Marie-Tooth disease type 4. Also called: Charcot-Marie-Tooth disease, type IV; Charcot-Marie-Tooth, Type 4. Identifiers: Orphanet 64749, MedGen C4082197, MONDO:0018995.

Allele frequency attached by ClinVar (database versions not stated): TOPMed below 0.00001; gnomAD 0.00001.
gnomAD v4.1: 12 of 1,613,908 alleles (0.00074%); highest among the groups gnomAD compares: Non-Finnish European, 0.001%; no homozygotes.

Submissions (2):

Ambry Genetics
Classification: Uncertain significance for Inborn genetic diseases. Last evaluated: 2025-08-04. Review status: criteria provided, single submitter. Criteria: Ambry Variant Classification Scheme 2023. Collection method: clinical testing. Allele origin: germline.

Labcorp Genetics (formerly Invitae), Labcorp
Classification: Uncertain significance for Charcot-Marie-Tooth disease type 4. Last evaluated: 2021-08-31. Review status: criteria provided, single submitter. Criteria: Invitae Variant Classification Sherloc (09022015). Collection method: clinical testing. Allele origin: germline.
Comment: This sequence change replaces isoleucine with serine at codon 1068 of the SBF2 protein (p.Ile1068Ser). The isoleucine residue is moderately conserved and there is a large physicochemical difference between isoleucine and serine. This variant is not present in population databases (ExAC no frequency). This variant has not been reported in the literature in individuals affected with SBF2-related conditions. Algorithms developed to predict the effect of missense changes on protein structure and function (SIFT, PolyPhen-2, Align-GVGD) all suggest that this variant is likely to be tolerated. Algorithms developed to predict the effect of sequence changes on RNA splicing suggest that this variant may create or strengthen a splice site. In summary, the available evidence is currently insufficient to determine the role of this variant in disease. Therefore, it has been classified as a Variant of Uncertain Significance.

NM_030962.4(SBF2):c.3203T>G (p.Ile1068Ser)

Genes: SBF2 (SET binding factor 2; minus strand), LOC101928008 (uncharacterized LOC101928008; plus strand). Cytogenetic location: 11p15.4.
Variant type: single nucleotide variant.
Coding change: c.3203T>G on transcript NM_030962.4 (MANE Select); coding-DNA position 3203, T replaced by G.
Protein change: p.Ile1068Ser; replaces isoleucine 1068 with serine.
Molecular consequence: missense variant.
Genome position (GRCh38, 1-based): chr11:9,842,678, A>C on the plus strand (T>G on the coding strand, the complement: SBF2 is on the minus strand). VCF-style: chr11-9842678-A-C. GRCh37 (hg19) VCF-style: chr11-9864225-A-C.
Other names: c.3203T>G, p.Ile1068Ser (NM_001386339.1); c.3074T>G, p.Ile1025Ser (NM_001386342.1); short protein forms I1068S, I1025S.
Identifiers: ClinVar variation 577980 (VCV000577980.7), dbSNP rs765970008, ClinGen allele CA217617946.